The following is an entry in ClinVar:

ClinVar aggregate classification (germline): Likely benign. Review status: criteria provided, single submitter (1 of 4 stars). 2 submissions from 2 submitters: Likely benign (1). 1 of the submissions does not count toward it. Last evaluated 2018-05-21.

Conditions:
PLXNA4-related disorder. Also called: PLXNA4-related condition.

Allele frequency attached by ClinVar (database versions not stated): gnomAD exomes 0.00021 and 0.00045; ExAC 0.00049; gnomAD 0.00128 and 0.00138; ESP Exome Variant Server 0.00138; TOPMed 0.00152; 1000 Genomes Project 30x 0.00234; 1000 Genomes Project 0.00240.
gnomAD v4.1: 515 of 1,614,200 alleles (0.032%); highest among the groups gnomAD compares: African/African-American, 0.44%; no homozygotes.

Submissions (2):

Labcorp Genetics (formerly Invitae), Labcorp
Classification: Likely benign. Last evaluated: 2018-05-21. Review status: criteria provided, single submitter. Criteria: Invitae Variant Classification Sherloc (09022015). Collection method: clinical testing. Allele origin: germline.

PreventionGenetics, part of Exact Sciences
Classification: Likely benign for PLXNA4-related condition. Last evaluated: 2021-06-02. Review status: no assertion criteria provided. Collection method: clinical testing. Allele origin: germline. Not counted in ClinVar's aggregate classification.
Comment: This variant is classified as likely benign based on ACMG/AMP sequence variant interpretation guidelines (Richards et al. 2015 PMID: 25741868, with internal and published modifications).

NM_020911.2(PLXNA4):c.1033C>T (p.Arg345Trp)

Gene: PLXNA4 (plexin A4; minus strand). Cytogenetic location: 7q32.3.
Variant type: single nucleotide variant.
Coding change: c.1033C>T on transcript NM_020911.2 (MANE Select); coding-DNA position 1033, C replaced by T.
Protein change: p.Arg345Trp; replaces arginine 345 with tryptophan.
Molecular consequence: missense variant.
Genome position (GRCh38, 1-based): chr7:132,507,661, G>A on the plus strand (C>T on the coding strand, the complement: PLXNA4 is on the minus strand). VCF-style: chr7-132507661-G-A. GRCh37 (hg19) VCF-style: chr7-132192420-G-A.
Other names: c.1033C>T, p.Arg345Trp (NM_001105543.2, NM_001393897.1, NM_181775.4); short protein forms R345W.
Identifiers: ClinVar variation 740865 (VCV000740865.5), dbSNP rs115629766, ClinGen allele CA4490391.